The following is an entry in ClinVar:

ClinVar aggregate classification (germline): Uncertain significance (1 of 4 stars; one submission).

Conditions:
Hereditary cancer-predisposing syndrome. Also called: Neoplastic Syndromes, Hereditary; Hereditary Cancer Syndrome; Hereditary neoplastic syndrome; Tumor predisposition. Identifiers: Orphanet 140162, MedGen C0027672, MeSH D009386, MONDO:0015356.

Submission:

Ambry Genetics
Classification: Uncertain significance for Hereditary cancer-predisposing syndrome. Last evaluated: 2026-05-27. Review status: criteria provided, single submitter. Criteria: Ambry Variant Classification Scheme 2023. Collection method: clinical testing. Allele origin: germline.
Comment: The p.L396V variant (also known as c.1186C>G), located in coding exon 12 of the FANCC gene, results from a C to G substitution at nucleotide position 1186. The leucine at codon 396 is replaced by valine, an amino acid with highly similar properties. This amino acid position is conserved. In addition, this alteration is predicted to be tolerated by in silico analysis. Based on the available evidence, the clinical significance of this variant remains unclear.

NM_000136.3(FANCC):c.1186C>G (p.Leu396Val)

Genes: AOPEP (aminopeptidase O (putative); plus strand), FANCC (FA complementation group C; minus strand). Cytogenetic location: 9q22.32.
Variant type: single nucleotide variant.
Coding change: c.1186C>G on transcript NM_000136.3 (MANE Select); coding-DNA position 1186, C replaced by G.
Protein change: p.Leu396Val; replaces leucine 396 with valine.
Molecular consequence: missense variant.
Genome position (GRCh38, 1-based): chr9:95,111,606, G>C on the plus strand (C>G on the coding strand, the complement: FANCC is on the minus strand). VCF-style: chr9-95111606-G-C. GRCh37 (hg19) VCF-style: chr9-97873888-G-C.
Other names: c.1186C>G, p.Leu396Val (NM_001243743.2, NM_001243744.2); short protein forms L396V.
Identifiers: ClinVar variation 4870936 (VCV004870936.1).